The following is an entry in ClinVar:

ClinVar aggregate classification (germline): Uncertain significance (1 of 4 stars; one submission).

Conditions:
Inborn genetic diseases. Identifiers: MedGen C0950123, MeSH D030342.

Submission:

Ambry Genetics
Classification: Uncertain significance for Inborn genetic diseases. Last evaluated: 2023-05-12. Review status: criteria provided, single submitter. Criteria: Ambry Variant Classification Scheme 2023. Collection method: clinical testing. Allele origin: germline.
Comment: The c.4807G>A (p.V1603I) alteration is located in exon 33 (coding exon 33) of the MED12L gene. This alteration results from a G to A substitution at nucleotide position 4807, causing the valine (V) at amino acid position 1603 to be replaced by an isoleucine (I). This variant was not reported in population-based cohorts in the Genome Aggregation Database (gnomAD). This amino acid position is highly conserved in available vertebrate species. This alteration is predicted to be tolerated by in silico analysis. Based on insufficient or conflicting evidence, the clinical significance of this alteration remains unclear.

NM_001393769.1(MED12L):c.4912G>A (p.Val1638Ile)

Genes: MED12L (mediator complex subunit 12L; plus strand), P2RY12 (purinergic receptor P2Y12; minus strand). Cytogenetic location: 3q25.1.
Variant type: single nucleotide variant.
Coding change: c.4912G>A on transcript NM_001393769.1 (MANE Select); coding-DNA position 4912, G replaced by A.
Protein change: p.Val1638Ile; replaces valine 1638 with isoleucine.
Molecular consequence: missense variant. On other transcripts: intron variant (1).
Genome position (GRCh38, 1-based): chr3:151,384,204, G>A. VCF-style: chr3-151384204-G-A. GRCh37 (hg19) VCF-style: chr3-151101992-G-A.
Other names: c.4807G>A, p.Val1603Ile (NM_053002.6); c.-180+488C>T (NM_022788.5); short protein forms V1603I, V1638I.
Identifiers: ClinVar variation 2527687 (VCV002527687.2), dbSNP rs2473958128, ClinGen allele CA354974605.